The following is an entry in ClinVar:

ClinVar aggregate classification (germline): Pathogenic (1 of 4 stars; one submission).

Conditions:
Cardiovascular phenotype. Identifiers: MedGen CN230736.

Submission:

Ambry Genetics
Classification: Pathogenic for Cardiovascular phenotype. Last evaluated: 2021-09-27. Review status: criteria provided, single submitter. Criteria: Ambry Variant Classification Scheme 2023. Collection method: clinical testing. Allele origin: germline.
Comment: The p.Q1976* pathogenic mutation (also known as c.5926C>T), located in coding exon 36 of the FLNC gene, results from a C to T substitution at nucleotide position 5926. This changes the amino acid from a glutamine to a stop codon within coding exon 36. This variant is considered to be rare based on population cohorts in the Genome Aggregation Database (gnomAD). This alteration is expected to result in loss of function by premature protein truncation or nonsense-mediated mRNA decay. As such, this alteration is interpreted as a disease-causing mutation.

NM_001458.5(FLNC):c.5926C>T (p.Gln1976Ter)

Genes: FLNC (filamin C; plus strand), FLNC-AS1 (FLNC antisense RNA 1; minus strand). Cytogenetic location: 7q32.1.
Variant type: single nucleotide variant.
Coding change: c.5926C>T on transcript NM_001458.5 (MANE Select); coding-DNA position 5926, C replaced by T.
Protein change: p.Gln1976Ter; replaces glutamine 1976 with a stop codon.
Molecular consequence: nonsense.
Genome position (GRCh38, 1-based): chr7:128,852,674, C>T. VCF-style: chr7-128852674-C-T. GRCh37 (hg19) VCF-style: chr7-128492728-C-T.
Other names: c.5827C>T, p.Gln1943Ter (NM_001127487.2); short protein forms Q1943*, Q1976*.
Identifiers: ClinVar variation 1750531 (VCV001750531.2), dbSNP rs2536659320, ClinGen allele CA369209194.